The following is an entry in ClinVar:

ClinVar aggregate classification (germline): Conflicting classifications of pathogenicity. Review status: criteria provided, conflicting classifications (1 of 4 stars). 3 submissions from 3 submitters: Uncertain significance (2); Likely benign (1). Last evaluated 2025-08-26.

Conditions:
Hereditary cancer-predisposing syndrome. Also called: Hereditary neoplastic syndrome; Tumor predisposition; Neoplastic Syndromes, Hereditary; Hereditary Cancer Syndrome. Identifiers: Orphanet 140162, MedGen C0027672, MeSH D009386, MONDO:0015356.
Hereditary breast ovarian cancer syndrome. Also called: Hereditary breast and ovarian cancer; Breast and ovarian cancer; BRCA1- and BRCA2-Associated Hereditary Breast and Ovarian Cancer; Hereditary breast and/or ovarian cancer syndrome; Hereditary breast and ovarian cancer syndrome; Hereditary breast and ovarian cancer syndrome (HBOC). Identifiers: Orphanet 145, MedGen C0677776, MeSH D061325, MONDO:0003582. Disease mechanism: loss of function.

Submissions (3):

Labcorp Genetics (formerly Invitae), Labcorp
Classification: Uncertain significance for Hereditary breast ovarian cancer syndrome. Last evaluated: 2025-08-26. Review status: criteria provided, single submitter. Criteria: Invitae Variant Classification Sherloc (09022015). Collection method: clinical testing. Allele origin: germline.
Comment: This sequence change replaces arginine, which is basic and polar, with threonine, which is neutral and polar, at codon 1677 of the BRCA2 protein (p.Arg1677Thr). This variant is not present in population databases (gnomAD no frequency). This variant has not been reported in the literature in individuals affected with BRCA2-related conditions. ClinVar contains an entry for this variant (Variation ID: 1505655). Invitae Evidence Modeling of protein sequence and biophysical properties (such as structural, functional, and spatial information, amino acid conservation, physicochemical variation, residue mobility, and thermodynamic stability) indicates that this missense variant is not expected to disrupt BRCA2 protein function with a negative predictive value of 95%. In summary, the available evidence is currently insufficient to determine the role of this variant in disease. Therefore, it has been classified as a Variant of Uncertain Significance.

University of Washington Department of Laboratory Medicine, University of Washington
Classification: Likely benign for Hereditary cancer-predisposing syndrome. Last evaluated: 2023-03-23. Review status: criteria provided, single submitter. Criteria: Dines et al. (Genet Med. 2020). Collection method: curation. Allele origin: germline.
Comment: Missense variant in a coldspot region where missense variants are very unlikely to be pathogenic (PMID:31911673).

BRCA2 exon 11 coldspot. Reclassification based on statistical prior probability.

GeneDx
Classification: Uncertain significance. Last evaluated: 2022-09-09. Review status: criteria provided, single submitter. Criteria: GeneDx Variant Classification Process June 2021. Collection method: clinical testing. Allele origin: germline. Affected: yes.
Comment: Not observed at significant frequency in large population cohorts (gnomAD); In silico analysis supports that this missense variant has a deleterious effect on protein structure/function; Has not been previously published as pathogenic or benign to our knowledge; Also known as 5258G>C; This variant is associated with the following publications: (PMID: 22193408, 9002670)

NM_000059.4(BRCA2):c.5030G>C (p.Arg1677Thr)

Gene: BRCA2 (BRCA2 DNA repair associated; plus strand). Cytogenetic location: 13q13.1.
Variant type: single nucleotide variant.
Coding change: c.5030G>C on transcript NM_000059.4 (MANE Select); coding-DNA position 5030, G replaced by C.
Protein change: p.Arg1677Thr; replaces arginine 1677 with threonine.
Molecular consequence: missense variant.
Genome position (GRCh38, 1-based): chr13:32,339,385, G>C. VCF-style: chr13-32339385-G-C. GRCh37 (hg19) VCF-style: chr13-32913522-G-C.
Other names: c.5030G>C (NM_000059.3); short protein forms R1677T.
Identifiers: ClinVar variation 1505655 (VCV001505655.8), dbSNP rs375304428, ClinGen allele CA387783980.